The following is an entry in ClinVar:

NM_000122.2(ERCC3):c.2305C>A (p.Pro769Thr)

Gene: ERCC3 (ERCC excision repair 3, TFIIH core complex helicase subunit; minus strand). Cytogenetic location: 2q14.3.
Variant type: single nucleotide variant.
Coding change: c.2305C>A on transcript NM_000122.2 (MANE Select); coding-DNA position 2305, C replaced by A.
Protein change: p.Pro769Thr; replaces proline 769 with threonine.
Molecular consequence: missense variant.
Genome position (GRCh38, 1-based): chr2:127,257,640, G>T on the plus strand (C>A on the coding strand, the complement: ERCC3 is on the minus strand). VCF-style: chr2-127257640-G-T. GRCh37 (hg19) VCF-style: chr2-128015216-G-T.
Other names: c.2113C>A, p.Pro705Thr (NM_001303416.2, NM_001303418.2); short protein forms P705T, P769T.
Identifiers: ClinVar variation 1394536 (VCV001394536.6), dbSNP rs769509766, ClinGen allele CA1858009.

ClinVar aggregate classification (germline): Uncertain significance (1 of 4 stars; one submission).

Allele frequency attached by ClinVar (database versions not stated): TOPMed 0.00002; ExAC 0.00003; gnomAD exomes 0.00005.
gnomAD v4.1: 12 of 1,614,152 alleles (0.00074%); highest among the groups gnomAD compares: Admixed American, 0.02%; no homozygotes.

Submission:

Labcorp Genetics (formerly Invitae), Labcorp
Classification: Uncertain significance. Last evaluated: 2024-05-06. Review status: criteria provided, single submitter. Criteria: Invitae Variant Classification Sherloc (09022015). Collection method: clinical testing. Allele origin: germline.
Comment: This sequence change replaces proline, which is neutral and non-polar, with threonine, which is neutral and polar, at codon 769 of the ERCC3 protein (p.Pro769Thr). This variant is present in population databases (rs769509766, gnomAD 0.04%). This variant has not been reported in the literature in individuals affected with ERCC3-related conditions. ClinVar contains an entry for this variant (Variation ID: 1394536). Advanced modeling of protein sequence and biophysical properties (such as structural, functional, and spatial information, amino acid conservation, physicochemical variation, residue mobility, and thermodynamic stability) performed at Invitae indicates that this missense variant is not expected to disrupt ERCC3 protein function with a negative predictive value of 80%. In summary, the available evidence is currently insufficient to determine the role of this variant in disease. Therefore, it has been classified as a Variant of Uncertain Significance.